The following is an entry in ClinVar:

NM_000388.4(CASR):c.475C>G (p.Leu159Val)

Gene: CASR (calcium sensing receptor; plus strand). Cytogenetic location: 3q21.1.
Variant type: single nucleotide variant.
Coding change: c.475C>G on transcript NM_000388.4 (MANE Select); coding-DNA position 475, C replaced by G.
Protein change: p.Leu159Val; replaces leucine 159 with valine.
Molecular consequence: missense variant.
Genome position (GRCh38, 1-based): chr3:122,257,370, C>G. VCF-style: chr3-122257370-C-G. GRCh37 (hg19) VCF-style: chr3-121976217-C-G.
Other names: c.475C>G, p.Leu159Val (NM_001178065.2); short protein forms L159V.
Identifiers: ClinVar variation 856823 (VCV000856823.12), dbSNP rs767329910, ClinGen allele CA2569474.
Genomic context (GRCh38, chr3:122,257,370, plus strand): 5'-ATTGCTGTGGTGGGAGCAACTGGCTCAGGCGTCTCCACGGCAGTGGCAAATCTGCTGGGG[C>G]TCTTCTACATTCCCCAGGTACTCAAGCCTTCTCAGGCGGGGCACTGGGAGCAGGATCAGA-3'
Protein context (NP_000379.3, residues 149-169): VSTAVANLLG[Leu159Val]FYIPQVSYAS

ClinVar aggregate classification (germline): Uncertain significance. Review status: criteria provided, multiple submitters, no conflicts (2 of 4 stars). 3 submissions from 3 submitters: Uncertain significance (3). Last evaluated 2026-03-16.

Conditions:
Nephrolithiasis/nephrocalcinosis. Identifiers: MedGen CN580796.
Familial hypocalciuric hypercalcemia (FHH). Also called: Familial benign hypercalcemia. Identifiers: Orphanet 405, MedGen C1809471, MONDO:0018458.
Autosomal dominant hypocalcemia 1 (HYPOC1). Also called: HYPOCALCEMIA, FAMILIAL. Identifiers: MedGen C3715128, MONDO:0011013, OMIM 601198.

Allele frequency attached by ClinVar (database versions not stated): gnomAD exomes below 0.00001; ExAC 0.00001; TOPMed 0.00001.

Submissions (3):

Women's Health and Genetics/Laboratory Corporation of America, LabCorp
Classification: Uncertain significance. Last evaluated: 2026-03-16. Review status: criteria provided, single submitter. Criteria: LabCorp Variant Classification Summary - May 2015. Collection method: clinical testing. Allele origin: germline.
Comment: Variant summary: CASR c.475C>G (p.Leu159Val) results in a conservative amino acid change in the encoded protein sequence. Algorithms developed to predict the effect of missense changes on protein structure and function are either unavailable or do not agree on the potential impact of this missense change. The variant allele was found at a frequency of 4e-06 in 250878 control chromosomes. The available data on variant occurrences in the general population are insufficient to allow any conclusion about variant significance. To our knowledge, no occurrence of c.475C>G in individuals affected with CASR-related conditions and no experimental evidence demonstrating its impact on protein function have been reported. A different variant affecting the same codon has been classified as likely pathogenic/pathogenic by our lab (c.476T>C, p.Leu159Pro), supporting the critical relevance of codon 159 to CASR protein function. ClinVar contains an entry for this variant (Variation ID: 856823). Based on the evidence outlined above, the variant was classified as uncertain significance.

Labcorp Genetics (formerly Invitae), Labcorp
Classification: Uncertain significance for Familial hypocalciuric hypercalcemia; Autosomal dominant hypocalcemia 1. Last evaluated: 2025-10-01. Review status: criteria provided, single submitter. Criteria: Invitae Variant Classification Sherloc (09022015). Collection method: clinical testing. Allele origin: germline.
Comment: This sequence change replaces leucine, which is neutral and non-polar, with valine, which is neutral and non-polar, at codon 159 of the CASR protein (p.Leu159Val). This variant is present in population databases (rs767329910, gnomAD 0.0009%). This variant has not been reported in the literature in individuals affected with CASR-related conditions. ClinVar contains an entry for this variant (Variation ID: 856823). An algorithm developed to predict the effect of missense changes on protein structure and function (PolyPhen-2) suggests that this variant is likely to be tolerated. This variant disrupts the p.Leu159 amino acid residue in CASR. Other variant(s) that disrupt this residue have been observed in individuals with CASR-related conditions (PMID: 21175100, 27666534), which suggests that this may be a clinically significant amino acid residue. In summary, the available evidence is currently insufficient to determine the role of this variant in disease. Therefore, it has been classified as a Variant of Uncertain Significance.

Ambry Genetics
Classification: Uncertain significance for Nephrolithiasis/nephrocalcinosis. Last evaluated: 2024-02-21. Review status: criteria provided, single submitter. Criteria: Ambry Variant Classification Scheme 2023. Collection method: clinical testing. Allele origin: germline.
Comment: The p.L159V variant (also known as c.475C>G), located in coding exon 2 of the CASR gene, results from a C to G substitution at nucleotide position 475. The leucine at codon 159 is replaced by valine, an amino acid with highly similar properties. This amino acid position is highly conserved in available vertebrate species. In addition, the in silico prediction for this alteration is inconclusive. In addition, the evidence for the gene-disease relationship is limited for pancreatitis and cancer predisposition; therefore, the clinical significance of this variant for CASR-related pancreatitis and cancer predisposition is unclear. Based on the available evidence, the clinical significance of this alteration remains unclear.

Literature cited by the submitters: PubMed 21175100 (cited by Labcorp Genetics (formerly Invitae), Labcorp); PubMed 27666534 (cited by Labcorp Genetics (formerly Invitae), Labcorp).